The following is an entry in ClinVar:

NM_007289.4(MME):c.1319T>A (p.Val440Asp)

Gene: MME (membrane metalloendopeptidase; plus strand). Cytogenetic location: 3q25.2.
Variant type: single nucleotide variant.
Coding change: c.1319T>A on transcript NM_007289.4 (MANE Select); coding-DNA position 1319, T replaced by A.
Protein change: p.Val440Asp; replaces valine 440 with aspartic acid.
Molecular consequence: missense variant.
Genome position (GRCh38, 1-based): chr3:155,144,360, T>A. VCF-style: chr3-155144360-T-A. GRCh37 (hg19) VCF-style: chr3-154862149-T-A.
Other names: c.1319T>A, p.Val440Asp (NM_000902.5, NM_001354642.2, NM_001354643.1 and 2 more transcripts); short protein forms V440D.
Identifiers: ClinVar variation 2578953 (VCV002578953.25), dbSNP rs1721346104, ClinGen allele CA355130544.

ClinVar aggregate classification (germline): Uncertain significance (1 of 4 stars; one submission).

Allele frequency attached by ClinVar (database versions not stated): TOPMed below 0.00001.

Submission:

CeGaT Center for Human Genetics Tuebingen
Classification: Uncertain significance. Last evaluated: 2023-08-01. Review status: criteria provided, single submitter. Criteria: CeGaT Center For Human Genetics Tuebingen Variant Classification Criteria Version 2. Collection method: clinical testing. Allele origin: germline. Affected: yes. Observed: 1 variant allele.
Comment: MME: PM2